The following is an entry in ClinVar:

ClinVar aggregate classification (germline): Likely benign. Review status: criteria provided, multiple submitters, no conflicts (2 of 4 stars). 2 submissions from 2 submitters: Likely benign (2). Last evaluated 2023-08-01.

Conditions:
Intellectual developmental disorder, autosomal dominant 6, with or without seizures. Also called: GRIN2B-related developmental delay, intellectual disability and autism spectrum disorder; Intellectual disability, autosomal dominant 6. Identifiers: Orphanet 589547, MedGen C3151411, MONDO:0013509, OMIM 613970.
Developmental and epileptic encephalopathy, 27 (DEE27). Also called: GRIN2B-Related Neurodevelopmental Disorder; Epileptic encephalopathy, early infantile, 27. Identifiers: Orphanet 3451, MedGen C4015316, MONDO:0014505, OMIM 616139.

Allele frequency attached by ClinVar (database versions not stated): gnomAD exomes below 0.00001.
gnomAD v4.1: 3 of 1,614,160 alleles (0.00019%); highest among the groups gnomAD compares: Non-Finnish European, 0.00025%; no homozygotes.

Submissions (2):

CeGaT Center for Human Genetics Tuebingen
Classification: Likely benign. Last evaluated: 2023-08-01. Review status: criteria provided, single submitter. Criteria: CeGaT Center For Human Genetics Tuebingen Variant Classification Criteria Version 2. Collection method: clinical testing. Allele origin: germline. Affected: yes. Observed: 1 variant allele.
Comment: GRIN2B: BP4, BP7

Labcorp Genetics (formerly Invitae), Labcorp
Classification: Likely benign for Developmental and epileptic encephalopathy, 27; Intellectual developmental disorder, autosomal dominant 6, with or without seizures. Last evaluated: 2021-07-17. Review status: criteria provided, single submitter. Criteria: Invitae Variant Classification Sherloc (09022015). Collection method: clinical testing. Allele origin: germline.

NM_000834.5(GRIN2B):c.846T>C (p.Tyr282=)

Gene: GRIN2B (glutamate ionotropic receptor NMDA type subunit 2B; minus strand). Cytogenetic location: 12p13.1.
Variant type: single nucleotide variant.
Coding change: c.846T>C on transcript NM_000834.5 (MANE Select); coding-DNA position 846, T replaced by C.
Protein change: p.Tyr282=; no amino-acid change (tyrosine 282 retained).
Molecular consequence: synonymous variant.
Genome position (GRCh38, 1-based): chr12:13,753,481, A>G on the plus strand (T>C on the coding strand, the complement: GRIN2B is on the minus strand). VCF-style: chr12-13753481-A-G. GRCh37 (hg19) VCF-style: chr12-13906415-A-G.
Identifiers: ClinVar variation 1572450 (VCV001572450.32), dbSNP rs1208230861, ClinGen allele CA478853529.